The following is an entry in ClinVar:

NM_004714.3(DYRK1B):c.665G>T (p.Cys222Phe)

Gene: DYRK1B (dual specificity tyrosine phosphorylation regulated kinase 1B; minus strand). Cytogenetic location: 19q13.2.
Variant type: single nucleotide variant.
Coding change: c.665G>T on transcript NM_004714.3 (MANE Select); coding-DNA position 665, G replaced by T.
Protein change: p.Cys222Phe; replaces cysteine 222 with phenylalanine.
Molecular consequence: missense variant.
Genome position (GRCh38, 1-based): chr19:39,828,439, C>A on the plus strand (G>T on the coding strand, the complement: DYRK1B is on the minus strand). VCF-style: chr19-39828439-C-A. GRCh37 (hg19) VCF-style: chr19-40319079-C-A.
Other names: c.665G>T, p.Cys222Phe (NM_006483.3, NM_006484.3); short protein forms C222F.
Identifiers: ClinVar variation 2701974 (VCV002701974.3), dbSNP rs2145016582, ClinGen allele CA405825873.
Genomic context (GRCh38, chr19:39,828,439, plus strand): 5'-GGCTTGAGGTCGCAGTGAATGATGCTGAGCTCAGGCGTGGCCAGAAAGAGCAGTGCCGTG[C>A]AGAGCTGCTGCGCCAGCTTCCGGGTCAGGTTCAGCGAGACGCCGCGGAAGTGGGTGTTGC-3'
Protein context (NP_004705.1, residues 212-232): NLTRKLAQQL[Cys222Phe]TALLFLATPE

ClinVar aggregate classification (germline): Uncertain significance (1 of 4 stars; one submission).

Submission:

Labcorp Genetics (formerly Invitae), Labcorp
Classification: Uncertain significance. Last evaluated: 2023-12-10. Review status: criteria provided, single submitter. Criteria: Invitae Variant Classification Sherloc (09022015). Collection method: clinical testing. Allele origin: germline.
Comment: This sequence change replaces cysteine, which is neutral and slightly polar, with phenylalanine, which is neutral and non-polar, at codon 222 of the DYRK1B protein (p.Cys222Phe). This variant is not present in population databases (gnomAD no frequency). This variant has not been reported in the literature in individuals affected with DYRK1B-related conditions. Advanced modeling of protein sequence and biophysical properties (such as structural, functional, and spatial information, amino acid conservation, physicochemical variation, residue mobility, and thermodynamic stability) performed at Invitae indicates that this missense variant is not expected to disrupt DYRK1B protein function with a negative predictive value of 80%. In summary, the available evidence is currently insufficient to determine the role of this variant in disease. Therefore, it has been classified as a Variant of Uncertain Significance.